The following is an entry in ClinVar:

ClinVar aggregate classification (germline): Uncertain significance (1 of 4 stars; one submission).

Conditions:
Walker-Warburg congenital muscular dystrophy. Also called: Muscular dystrophy-dystroglycanopathy, type A; Walker-Warburg syndrome. Identifiers: Orphanet 899, MedGen C0265221, MONDO:0000171.

Allele frequency attached by ClinVar (database versions not stated): gnomAD exomes below 0.00001.

Submission:

Labcorp Genetics (formerly Invitae), Labcorp
Classification: Uncertain significance for Walker-Warburg congenital muscular dystrophy. Last evaluated: 2025-02-05. Review status: criteria provided, single submitter. Criteria: Invitae Variant Classification Sherloc (09022015). Collection method: clinical testing. Allele origin: germline.
Comment: This sequence change replaces tryptophan, which is neutral and slightly polar, with arginine, which is basic and polar, at codon 401 of the FKTN protein (p.Trp401Arg). This variant is present in population databases (no rsID available, gnomAD 0.003%). This variant has not been reported in the literature in individuals affected with FKTN-related conditions. ClinVar contains an entry for this variant (Variation ID: 1989617). Invitae Evidence Modeling of protein sequence and biophysical properties (such as structural, functional, and spatial information, amino acid conservation, physicochemical variation, residue mobility, and thermodynamic stability) has been performed for this missense variant. However, the output from this modeling did not meet the statistical confidence thresholds required to predict the impact of this variant on FKTN protein function. In summary, the available evidence is currently insufficient to determine the role of this variant in disease. Therefore, it has been classified as a Variant of Uncertain Significance.

NM_001079802.2(FKTN):c.1201T>C (p.Trp401Arg)

Gene: FKTN (fukutin; plus strand). Cytogenetic location: 9q31.2.
Variant type: single nucleotide variant.
Coding change: c.1201T>C on transcript NM_001079802.2 (MANE Select); coding-DNA position 1201, T replaced by C.
Protein change: p.Trp401Arg; replaces tryptophan 401 with arginine.
Molecular consequence: missense variant. On other transcripts: non-coding transcript variant (2).
Genome position (GRCh38, 1-based): chr9:105,635,079, T>C. VCF-style: chr9-105635079-T-C. GRCh37 (hg19) VCF-style: chr9-108397360-T-C.
Other names: c.1201T>C, p.Trp401Arg (NM_001198963.2, NM_001351496.2, NM_006731.2); c.1132T>C, p.Trp378Arg (NM_001351497.2); c.1232T>C, p.Leu411Pro (NM_001351498.2); c.805T>C, p.Trp269Arg (NM_001351499.2, NM_001351500.2, NM_001351501.2 and 1 more transcripts); short protein forms W378R, W401R, L411P, W269R.
Identifiers: ClinVar variation 1989617 (VCV001989617.4), dbSNP rs1356621574, ClinGen allele CA374378063.